The following is an entry in ClinVar:

NM_198578.4(LRRK2):c.6019C>G (p.Pro2007Ala)

Gene: LRRK2 (leucine rich repeat kinase 2; plus strand). Cytogenetic location: 12q12.
Variant type: single nucleotide variant.
Coding change: c.6019C>G on transcript NM_198578.4 (MANE Select); coding-DNA position 6019, C replaced by G.
Protein change: p.Pro2007Ala; replaces proline 2007 with alanine.
Molecular consequence: missense variant.
Genome position (GRCh38, 1-based): chr12:40,340,364, C>G. VCF-style: chr12-40340364-C-G. GRCh37 (hg19) VCF-style: chr12-40734166-C-G.
Other names: short protein forms P2007A.
Identifiers: ClinVar variation 1751102 (VCV001751102.2), dbSNP rs2499948043, ClinGen allele CA384403803.

ClinVar aggregate classification (germline): Uncertain significance (1 of 4 stars; one submission).

Conditions:
Inborn genetic diseases. Identifiers: MedGen C0950123, MeSH D030342.

Submission:

Ambry Genetics
Classification: Uncertain significance for Inborn genetic diseases. Last evaluated: 2022-10-29. Review status: criteria provided, single submitter. Criteria: Ambry Variant Classification Scheme 2023. Collection method: clinical testing. Allele origin: germline.
Comment: The p.P2007A variant (also known as c.6019C>G), located in coding exon 41 of the LRRK2 gene, results from a C to G substitution at nucleotide position 6019. The proline at codon 2007 is replaced by alanine, an amino acid with highly similar properties. This amino acid position is conserved. In addition, this alteration is predicted to be tolerated by in silico analysis. Since supporting evidence is limited at this time, the clinical significance of this alteration remains unclear.